The following is an entry in ClinVar:

NM_007294.4(BRCA1):c.509G>A (p.Arg170Gln)

Gene: BRCA1 (BRCA1 DNA repair associated; minus strand). Cytogenetic location: 17q21.31.
Variant type: single nucleotide variant.
Coding change: c.509G>A on transcript NM_007294.4 (MANE Select); coding-DNA position 509, G replaced by A.
Protein change: p.Arg170Gln; replaces arginine 170 with glutamine.
Molecular consequence: missense variant. On other transcripts: non-coding transcript variant (1).
Genome position (GRCh38, 1-based): chr17:43,099,813, C>T on the plus strand (G>A on the coding strand, the complement: BRCA1 is on the minus strand). VCF-style: chr17-43099813-C-T. GRCh37 (hg19) VCF-style: chr17-41251830-C-T.
Other names: NP_009225.1:p.Arg170Gln; 628G>A; c.509G>A, p.Arg170Gln (NM_001407970.1, NM_001407971.1, NM_001407973.1 and 97 more transcripts); c.506G>A, p.Arg169Gln (NM_001407972.1, NM_001407984.1, NM_001407985.1 and 65 more transcripts); c.500G>A, p.Arg167Gln (NM_001408408.1, NM_001407646.1, NM_001407647.1); c.431G>A, p.Arg144Gln (NM_001408409.1, NM_001408411.1, NM_001408412.1 and 12 more transcripts); c.368G>A, p.Arg123Gln (NM_001408410.1, NM_001408452.1, NM_001408453.1 and 61 more transcripts); c.428G>A, p.Arg143Gln (NM_001408413.1, NM_001408416.1, NM_001408475.1 and 6 more transcripts); and 6 more; short protein forms R170Q, R123Q, R100Q, R169Q, R125Q, R43Q, R143Q, R144Q.
Identifiers: ClinVar variation 55400 (VCV000055400.59), dbSNP rs80357264, ClinGen allele CA003240.

ClinVar aggregate classification (germline): Conflicting classifications of pathogenicity. Review status: criteria provided, conflicting classifications (1 of 4 stars). 14 submissions from 14 submitters: Uncertain significance (4); Likely benign (7). 3 of the submissions do not count toward it. Last evaluated 2026-06-05.

Conditions:
Hereditary cancer-predisposing syndrome. Also called: Hereditary Cancer Syndrome; Hereditary neoplastic syndrome; Neoplastic Syndromes, Hereditary; Tumor predisposition. Identifiers: Orphanet 140162, MedGen C0027672, MeSH D009386, MONDO:0015356.
Breast-ovarian cancer, familial, susceptibility to, 1 (BROVCA1). Also called: BRCA1 Hereditary Breast and Ovarian Cancer; OVARIAN CANCER, SUSCEPTIBILITY TO. Identifiers: Orphanet 145, MedGen C2676676, MONDO:0011450, OMIM 604370. Disease mechanism: loss of function.
Familial cancer of breast. Also called: hereditary breast carcinoma; BREAST CANCER, FAMILIAL; Hereditary breast cancer. Identifiers: Orphanet 227535, MedGen C0346153, MONDO:0016419, OMIM 114480. Disease mechanism: loss of function.
Fanconi anemia, complementation group S (FANCS). Identifiers: MedGen C4554406, MONDO:0054748, OMIM 617883.
Hereditary breast ovarian cancer syndrome. Also called: BRCA1- and BRCA2-Associated Hereditary Breast and Ovarian Cancer; Hereditary breast and ovarian cancer syndrome; Hereditary breast and ovarian cancer syndrome (HBOC); Breast and ovarian cancer; Hereditary breast and/or ovarian cancer syndrome; Hereditary breast and ovarian cancer. Identifiers: Orphanet 145, MedGen C0677776, MeSH D061325, MONDO:0003582. Disease mechanism: loss of function.

Allele frequency attached by ClinVar (database versions not stated): gnomAD exomes 0.00001 and 0.00004; ExAC 0.00007; gnomAD 0.00002; TOPMed below 0.00001.
gnomAD v4.1: 25 of 1,613,504 alleles (0.0015%); highest among the groups gnomAD compares: Middle Eastern, 0.016%; no homozygotes.

Submissions (14):

Women's Health and Genetics/Laboratory Corporation of America, LabCorp
Classification: Likely benign. Last evaluated: 2026-06-05. Review status: criteria provided, single submitter. Criteria: LabCorp Variant Classification Summary - May 2015. Collection method: clinical testing. Allele origin: germline.
Comment: Variant summary: BRCA1 c.509G>A (p.Arg170Gln) results in a conservative amino acid change in the encoded protein sequence. Algorithms developed to predict the effect of missense changes on protein structure and function all suggest that this variant is likely to be tolerated. The variant allele was found at a frequency of 3.9e-05 in 254918 control chromosomes. This frequency is not significantly higher than estimated for disease-causing variants in BRCA1, allowing no conclusion about variant significance. c.509G>A has been observed in individuals affected with breast and/or ovarian cancer (e.g. Meindl_2002, Borg_2010, De Falco_2020, Kim_2022). However, these reports do not provide unequivocal conclusions about association of the variant with disease. At least one co-occurrence with a pathogenic variant (BRCA2 c.67+1G>A) has been reported in the literature (De Falco_2020). Publications have also reported experimental evidence evaluating an impact on protein function, demonstrating normal splicing (Wai_2020), and similar homology-directed DNA damage repair (HDR) activity to the wild-type protein, with intermediate repair activity by single-strand annealing (SSA); however, authors noted that while the HDR assay was accurate, in the SSA assay several non-pathogenic variants were scored as defective or partially defective (Towler_2013). HDR assays qualify as a recognized gold standard on the basis of updated guidance provided by the ClinGen Sequence Variant Interpretation (SVI) working group. The following publications have been ascertained in the context of this evaluation (PMID: 15235020, 12457999, 11336395, 35753294, 20104584, 21520273, 32234730, 33471991, 34981296, 16267036, 35681111, 27616075, 11802209, 31131967, 23161852, 32123317). ClinVar contains an entry for this variant (Variation ID: 55400). Based on the evidence outlined above, the variant was classified as likely benign.

Labcorp Genetics (formerly Invitae), Labcorp
Classification: Likely benign for Hereditary breast ovarian cancer syndrome. Last evaluated: 2025-12-18. Review status: criteria provided, single submitter. Criteria: Invitae Variant Classification Sherloc (09022015). Collection method: clinical testing. Allele origin: germline.

Quest Diagnostics Nichols Institute San Juan Capistrano
Classification: Uncertain significance. Last evaluated: 2025-10-06. Review status: criteria provided, single submitter. Criteria: Quest Diagnostics criteria. Collection method: clinical testing. Allele origin: unknown.
Comment: The BRCA1 c.509G>A (p.Arg170Gln) variant has been reported in the published literature in individuals with breast and/or ovarian cancer (PMID: 11802209 (2002), 20104584 (2010), 27616075 (2016), 33471991 (2021), see LOVD), and in reportedly unaffected individuals (PMID: 33471991 (2021), see LOVD). In addition, this variant was determined to have homology-directed repair activity similar to wildtype BRCA1 and an intermediate effect on single-strand annealing activity (PMID: 23161852 (2013)). The frequency of this variant in the general population (Genome Aggregation Database) is uninformative in the assessment of its pathogenicity. Analysis of this variant using bioinformatics tools for the prediction of the effect of amino acid changes on protein structure and function yielded predictions that this variant is benign. Based on the available information, we are unable to determine the clinical significance of this variant.

Center for Genomic Medicine, Rigshospitalet, Copenhagen University Hospital
Classification: Likely benign. Last evaluated: 2025-03-04. Review status: criteria provided, single submitter. Criteria: ACMG Guidelines, 2015. Collection method: clinical testing. Allele origin: germline.

Molecular Diagnostics Laboratory, Catalan Institute of Oncology
Classification: Likely benign for Hereditary cancer-predisposing syndrome. Last evaluated: 2024-10-15. Review status: criteria provided, single submitter. Criteria: ClinGen BRCA1BRCA2 ACMG Specifications BRCA1 V1.0.0. Collection method: clinical testing. Allele origin: germline.
Comment: BP1_Strong, BS3, PP4_Moderate c.509G>A located in exon 7 (8 according to BIC nomenclature) of the BRCA1 gene, is predicted to result in the substitution of arginine by glutamine at codon 170, p.(Arg170Gln).This position is outside a (potentially) clinically important functional domain and, moreover, the SpliceAI algorithm predicts no significant impact on splicing (BP1_Strong). This variant is found in 8/102736, at a frequency of 0.003% in the gnomAD v2.1.1 database, European non-Finnish exome non-cancer data set. Reported by one calibrated study to affect protein function similar to benign control variants (PMID:30219179) (BS3). Published clinical data for a multifactorial likelihood analysis showed that the variant does not cosegregate with the disease (LR=1.90) but combined LR indicative of supporting evidence towards pathogenicity (LR=8.36)(PMID:31131967)(PP4_Moderate). This variant has been reported in the ClinVar database (6x uncertain significance, 5x likely benign, 1x benign) in the LOVD database (1x likely benign, 3x not classified) and in BRCA Exchange database as not yet reviewed. Based on currently available information, the variant c.509G>A is classified as a likely benign variant according to ClinGen-BRCA1 and BRCA2 Guidelines version 1.0.0.

GeneDx
Classification: Uncertain significance. Last evaluated: 2024-08-09. Review status: criteria provided, single submitter. Criteria: GeneDx Variant Classification Process June 2021. Collection method: clinical testing. Allele origin: germline. Affected: yes.
Comment: In silico analysis indicates that this missense variant does not alter protein structure/function; Also known as 628G>A; This variant is associated with the following publications: (PMID: 11802209, 15235020, 27616075, 20104584, 12457999, 16267036, 11336395, 23161852, 32123317, 34663891, 20215511, 35464868, 31131967, 36860287, 34981296, 33471991, 32234730, 21520273, 29884841, 35681111, 35753294, 32377563, 31853058, 35402282)

Department of Pathology and Laboratory Medicine, Sinai Health System
Classification: Likely benign for Familial cancer of breast; Breast-ovarian cancer, familial, susceptibility to, 1; Fanconi anemia, complementation group S. Last evaluated: 2023-02-15. Review status: criteria provided, single submitter. Criteria: ACMG Guidelines, 2015. Collection method: clinical testing. Allele origin: germline. Affected: yes.

National Health Laboratory Service, Universitas Academic Hospital and University of the Free State
Classification: Uncertain significance for Hereditary breast ovarian cancer syndrome. Last evaluated: 2021-11-16. Review status: criteria provided, single submitter. Criteria: ACMG Guidelines, 2015. Collection method: clinical testing. Allele origin: germline. Affected: yes. Observed: 1 variant allele.

Ambry Genetics
Classification: Likely benign for Hereditary cancer-predisposing syndrome. Last evaluated: 2020-08-11. Review status: criteria provided, single submitter. Criteria: Ambry Variant Classification Scheme 2023. Collection method: clinical testing. Allele origin: germline.

Mendelics
Classification: Uncertain significance for Breast-ovarian cancer, familial, susceptibility to, 1. Last evaluated: 2019-05-28. Review status: criteria provided, single submitter. Criteria: Mendelics Assertion Criteria 2017. Collection method: clinical testing. Allele origin: unknown.

Color Diagnostics, LLC DBA Color Health
Classification: Likely benign for Hereditary cancer-predisposing syndrome. Last evaluated: 2018-05-25. Review status: criteria provided, single submitter. Criteria: ACMG Guidelines, 2015. Collection method: clinical testing. Allele origin: germline.

BRCAlab, Lund University
Classification: Uncertain significance for Breast-ovarian cancer, familial, susceptibility to, 1. Last evaluated: 2020-03-02. Review status: no assertion criteria provided. Collection method: clinical testing. Allele origin: germline. Affected: yes. Not counted in ClinVar's aggregate classification.

Sharing Clinical Reports Project (SCRP)
Classification: Benign for Breast-ovarian cancer, familial 1. Last evaluated: 2011-02-11. Review status: no assertion criteria provided. Collection method: clinical testing. Allele origin: germline. Not counted in ClinVar's aggregate classification.

Breast Cancer Information Core (BIC) (BRCA1)
Classification: Uncertain significance for Breast-ovarian cancer, familial 1. Review status: no assertion criteria provided. Collection method: clinical testing. Allele origin: germline. Affected: yes. Observed: 1 variant allele. Not counted in ClinVar's aggregate classification.

Literature cited by the submitters: PubMed 16267036 (cited by Women's Health and Genetics/Laboratory Corporation of America, LabCorp); PubMed 20104584 (cited by 4 submitters); PubMed 15235020 (cited by Women's Health and Genetics/Laboratory Corporation of America, LabCorp); PubMed 21520273 (cited by Women's Health and Genetics/Laboratory Corporation of America, LabCorp); PubMed 11802209 (cited by 4 submitters); PubMed 12457999 (cited by Women's Health and Genetics/Laboratory Corporation of America, LabCorp and Quest Diagnostics Nichols Institute San Juan Capistrano); PubMed 23161852 (cited by 4 submitters); PubMed 11336395 (cited by Women's Health and Genetics/Laboratory Corporation of America, LabCorp and Ambry Genetics); PubMed 27616075 (cited by 4 submitters); PubMed 31131967 (cited by Women's Health and Genetics/Laboratory Corporation of America, LabCorp and Quest Diagnostics Nichols Institute San Juan Capistrano); PubMed 32123317 (cited by Women's Health and Genetics/Laboratory Corporation of America, LabCorp and Quest Diagnostics Nichols Institute San Juan Capistrano); PubMed 32234730 (cited by Women's Health and Genetics/Laboratory Corporation of America, LabCorp and Quest Diagnostics Nichols Institute San Juan Capistrano); PubMed 33471991 (cited by 3 submitters); PubMed 34981296 (cited by Women's Health and Genetics/Laboratory Corporation of America, LabCorp and Quest Diagnostics Nichols Institute San Juan Capistrano); PubMed 35681111 (cited by Women's Health and Genetics/Laboratory Corporation of America, LabCorp and Quest Diagnostics Nichols Institute San Juan Capistrano); PubMed 35753294 (cited by Women's Health and Genetics/Laboratory Corporation of America, LabCorp and Quest Diagnostics Nichols Institute San Juan Capistrano); DOI 10.3389/fgene.2022.834265 (cited by National Health Laboratory Service, Universitas Academic Hospital and University of the Free State).